The following is an entry in ClinVar:

ClinVar aggregate classification (germline): Uncertain significance (1 of 4 stars; one submission).

Allele frequency attached by ClinVar (database versions not stated): gnomAD 0.00001; gnomAD exomes 0.00001; TOPMed 0.00001; 1000 Genomes Project 30x 0.00016.
gnomAD v4.1: 20 of 1,570,990 alleles (0.0013%); highest among the groups gnomAD compares: East Asian, 0.0095%; no homozygotes.

Submission:

Labcorp Genetics (formerly Invitae), Labcorp
Classification: Uncertain significance. Last evaluated: 2025-04-01. Review status: criteria provided, single submitter. Criteria: Invitae Variant Classification Sherloc (09022015). Collection method: clinical testing. Allele origin: germline.
Comment: This sequence change falls in intron 10 of the AP3D1 gene. It does not directly change the encoded amino acid sequence of the AP3D1 protein. It affects a nucleotide within the consensus splice site. The frequency data for this variant in the population databases is considered unreliable, as metrics indicate poor data quality at this position in the gnomAD database. This variant has not been reported in the literature in individuals affected with AP3D1-related conditions. ClinVar contains an entry for this variant (Variation ID: 1360475). Variants that disrupt the consensus splice site are a relatively common cause of aberrant splicing (PMID: 17576681, 9536098). Algorithms developed to predict the effect of sequence changes on RNA splicing suggest that this variant is not likely to affect RNA splicing. In summary, the available evidence is currently insufficient to determine the role of this variant in disease. Therefore, it has been classified as a Variant of Uncertain Significance.

Literature cited by the submitters: PubMed 17576681; PubMed 9536098.

NM_001261826.3(AP3D1):c.906+4C>T

Gene: AP3D1 (adaptor related protein complex 3 subunit delta 1; minus strand). Cytogenetic location: 19p13.3.
Variant type: single nucleotide variant.
Coding change: c.906+4C>T on transcript NM_001261826.3 (MANE Select); 4 bases into the intron after coding-DNA position 906, C replaced by T.
Molecular consequence: intron variant.
Genome position (GRCh38, 1-based): chr19:2,123,826, G>A on the plus strand (C>T on the coding strand, the complement: AP3D1 is on the minus strand). VCF-style: chr19-2123826-G-A. GRCh37 (hg19) VCF-style: chr19-2123825-G-A.
Other names: c.906+4C>T (NM_003938.8, NM_001374799.1).
Identifiers: ClinVar variation 1360475 (VCV001360475.6), dbSNP rs772456134, ClinGen allele CA9059511.